The following is an entry in ClinVar:

ClinVar aggregate classification (germline): Uncertain significance. Review status: criteria provided, multiple submitters, no conflicts (2 of 4 stars). 3 submissions from 3 submitters: Uncertain significance (3). Last evaluated 2025-11-23.

Conditions:
Marden-Walker syndrome (MWKS). Also called: Connective tissue disorder Marden Walker type. Identifiers: Orphanet 2461, MedGen C0796033, MONDO:0009564, OMIM 248700.
Inborn genetic diseases. Identifiers: MedGen C0950123, MeSH D030342.

Allele frequency attached by ClinVar (database versions not stated): TOPMed 0.00003; gnomAD 0.00004; gnomAD exomes 0.00005.
gnomAD v4.1: 78 of 1,533,890 alleles (0.0051%); highest among the groups gnomAD compares: Non-Finnish European, 0.0058%; no homozygotes.

Submissions (3):

Ambry Genetics
Classification: Uncertain significance for Inborn genetic diseases. Last evaluated: 2025-11-23. Review status: criteria provided, single submitter. Criteria: Ambry Variant Classification Scheme 2023. Collection method: clinical testing. Allele origin: germline.

Labcorp Genetics (formerly Invitae), Labcorp
Classification: Uncertain significance. Last evaluated: 2025-05-12. Review status: criteria provided, single submitter. Criteria: Invitae Variant Classification Sherloc (09022015). Collection method: clinical testing. Allele origin: germline.
Comment: This sequence change replaces phenylalanine, which is neutral and non-polar, with leucine, which is neutral and non-polar, at codon 1095 of the PIEZO2 protein (p.Phe1095Leu). This variant is present in population databases (rs755251396, gnomAD 0.005%). This variant has not been reported in the literature in individuals affected with PIEZO2-related conditions. ClinVar contains an entry for this variant (Variation ID: 1803251). Invitae Evidence Modeling of protein sequence and biophysical properties (such as structural, functional, and spatial information, amino acid conservation, physicochemical variation, residue mobility, and thermodynamic stability) has been performed for this missense variant. However, the output from this modeling did not meet the statistical confidence thresholds required to predict the impact of this variant on PIEZO2 protein function. In summary, the available evidence is currently insufficient to determine the role of this variant in disease. Therefore, it has been classified as a Variant of Uncertain Significance.

Genetics and Molecular Pathology, SA Pathology
Classification: Uncertain significance for Marden-Walker syndrome. Last evaluated: 2021-05-12. Review status: criteria provided, single submitter. Criteria: ACMG Guidelines, 2015. Collection method: clinical testing. Allele origin: germline. Inheritance: Autosomal dominant inheritance. Affected: yes.
Comment: The PIEZO2 c.3283T>C variant is classified as a VARIANT OF UNCERTAIN SIGNIFICANCE (PP3) The PIEZO2 c.3283T>C variant is a single nucleotide change in exon 22 of the PIEZO2 gene, which is predicted to change the amino acid phenylalanine at position 1095 in the protein to leucine. This variant has been reported in dbSNP (rs755251396) and has been reported in population databases (gnomAD 4/144378 alleles, no homozygotes). This variant has not been reported in the ClinVar or HGMD databases. Computational predictions support a deleterious effect on the gene or gene product (PP3).

NM_001378183.1(PIEZO2):c.3358T>C (p.Phe1120Leu)

Gene: PIEZO2 (piezo type mechanosensitive ion channel component 2; minus strand). Cytogenetic location: 18p11.22.
Variant type: single nucleotide variant.
Coding change: c.3358T>C on transcript NM_001378183.1 (MANE Select); coding-DNA position 3358, T replaced by C.
Protein change: p.Phe1120Leu; replaces phenylalanine 1120 with leucine.
Molecular consequence: missense variant.
Genome position (GRCh38, 1-based): chr18:10,761,003, A>G on the plus strand (T>C on the coding strand, the complement: PIEZO2 is on the minus strand). VCF-style: chr18-10761003-A-G. GRCh37 (hg19) VCF-style: chr18-10761001-A-G.
Other names: c.3358T>C, p.Phe1120Leu (NM_001410871.1); c.3283T>C, p.Phe1095Leu (NM_022068.4); c.3283T>C (NM_022068.2); short protein forms F1095L, F1120L.
Identifiers: ClinVar variation 1803251 (VCV001803251.5), dbSNP rs755251396, ClinGen allele CA296031471.